The following is an entry in ClinVar:

ClinVar aggregate classification (germline): Uncertain significance (1 of 4 stars; one submission).

Submission:

GeneDx
Classification: Uncertain significance. Last evaluated: 2026-08-11. Review status: criteria provided, single submitter. Criteria: GeneDx Variant Classification Process June 2021. Collection method: clinical testing. Allele origin: germline.
Comment: Not observed at significant frequency in large population cohorts (gnomAD); In silico analysis supports that this missense variant has a deleterious effect on protein structure/function; Has not been previously published as pathogenic or benign to our knowledge

NM_001372066.1(TFAP2A):c.910A>G (p.Arg304Gly)

Gene: TFAP2A (transcription factor AP-2 alpha; minus strand). Cytogenetic location: 6p24.3.
Variant type: single nucleotide variant.
Coding change: c.910A>G on transcript NM_001372066.1 (MANE Select); coding-DNA position 910, A replaced by G.
Protein change: p.Arg304Gly; replaces arginine 304 with glycine.
Molecular consequence: missense variant.
Genome position (GRCh38, 1-based): chr6:10,400,569, T>C on the plus strand (A>G on the coding strand, the complement: TFAP2A is on the minus strand). VCF-style: chr6-10400569-T-C. GRCh37 (hg19) VCF-style: chr6-10400802-T-C.
Other names: c.886A>G, p.Arg296Gly (NM_001032280.3); c.892A>G, p.Arg298Gly (NM_001042425.3); short protein forms R296G, R298G, R304G.
Identifiers: ClinVar variation 4531107 (VCV004531107.2).